The following is an entry in ClinVar:

ClinVar aggregate classification (germline): Uncertain significance (1 of 4 stars; one submission).

gnomAD v4.1: 2 of 1,614,218 alleles (0.00012%); highest among the groups gnomAD compares: Non-Finnish European, 0.00017%; no homozygotes.

Submission:

GeneDx
Classification: Uncertain significance. Last evaluated: 2025-01-06. Review status: criteria provided, single submitter. Criteria: GeneDx Variant Classification Process June 2021. Collection method: clinical testing. Allele origin: germline. Affected: yes.
Comment: Not observed at significant frequency in large population cohorts (gnomAD); In silico analysis supports that this missense variant has a deleterious effect on protein structure/function; Has not been previously published as pathogenic or benign to our knowledge

NM_001429.4(EP300):c.3329A>G (p.Gln1110Arg)

Gene: EP300 (EP300 lysine acetyltransferase; plus strand). Cytogenetic location: 22q13.2.
Variant type: single nucleotide variant.
Coding change: c.3329A>G on transcript NM_001429.4 (MANE Select); coding-DNA position 3329, A replaced by G.
Protein change: p.Gln1110Arg; replaces glutamine 1110 with arginine.
Molecular consequence: missense variant.
Genome position (GRCh38, 1-based): chr22:41,157,236, A>G. VCF-style: chr22-41157236-A-G. GRCh37 (hg19) VCF-style: chr22-41553240-A-G.
Other names: c.3251A>G, p.Gln1084Arg (NM_001362843.2); short protein forms Q1084R, Q1110R.
Identifiers: ClinVar variation 4055959 (VCV004055959.1).